The following is an entry in ClinVar:

NM_001370100.5(ZMYND11):c.494T>C (p.Ile165Thr)

Gene: ZMYND11 (zinc finger MYND-type containing 11; plus strand). Cytogenetic location: 10p15.3.
Variant type: single nucleotide variant.
Coding change: c.494T>C on transcript NM_001370100.5 (MANE Select); coding-DNA position 494, T replaced by C.
Protein change: p.Ile165Thr; replaces isoleucine 165 with threonine.
Molecular consequence: missense variant. On other transcripts: non-coding transcript variant (1).
Genome position (GRCh38, 1-based): chr10:236,893, T>C. VCF-style: chr10-236893-T-C. GRCh37 (hg19) VCF-style: chr10-282833-T-C.
Other names: c.332T>C, p.Ile111Thr (NM_001370106.2, NM_001370107.2, NM_001370108.2 and 11 more transcripts); c.443T>C, p.Ile148Thr (NM_001370112.2, NM_001330057.3); c.494T>C, p.Ile165Thr (NM_001370113.2, NM_001370114.2, NM_001370115.2 and 10 more transcripts); c.428T>C, p.Ile143Thr (NM_001370116.2); c.374T>C, p.Ile125Thr (NM_001370118.2); c.266T>C, p.Ile89Thr (NM_001370120.2); c.212T>C, p.Ile71Thr (NM_001370121.2); c.281T>C, p.Ile94Thr (NM_001370123.2); and 1 more; short protein forms I111T, I125T, I143T, I148T, I165T, I71T, I89T, I8T.
Identifiers: ClinVar variation 3773904 (VCV003773904.2).

ClinVar aggregate classification (germline): Uncertain significance (1 of 4 stars; one submission).

Submission:

GeneDx
Classification: Uncertain significance. Last evaluated: 2026-06-26. Review status: criteria provided, single submitter. Criteria: GeneDx Variant Classification Process June 2021. Collection method: clinical testing. Allele origin: germline.
Comment: Not observed at significant frequency in large population cohorts (gnomAD); In silico analysis suggests that this missense variant does not alter protein structure/function; Has not been previously published as pathogenic or benign to our knowledge